The following is an entry in ClinVar:

ClinVar aggregate classification (germline): Uncertain significance (1 of 4 stars; one submission).

Conditions:
Developmental and epileptic encephalopathy, 37 (DEE37). Also called: Epileptic encephalopathy, early infantile, 37. Identifiers: MedGen C4310770, MONDO:0014859, OMIM 616981.

Allele frequency attached by ClinVar (database versions not stated): TOPMed below 0.00001; gnomAD exomes 0.00002.
gnomAD v4.1: 28 of 1,613,550 alleles (0.0017%); highest among the groups gnomAD compares: Non-Finnish European, 0.0024%; no homozygotes.

Submission:

Labcorp Genetics (formerly Invitae), Labcorp
Classification: Uncertain significance for Developmental and epileptic encephalopathy, 37. Last evaluated: 2021-07-28. Review status: criteria provided, single submitter. Criteria: Invitae Variant Classification Sherloc (09022015). Collection method: clinical testing. Allele origin: germline.
Comment: This sequence change replaces threonine with serine at codon 169 of the FRRS1L protein (p.Thr169Ser). The threonine residue is highly conserved and there is a small physicochemical difference between threonine and serine. This variant is not present in population databases (ExAC no frequency). This variant has not been reported in the literature in individuals affected with FRRS1L-related conditions. Algorithms developed to predict the effect of missense changes on protein structure and function are either unavailable or do not agree on the potential impact of this missense change (SIFT: "Deleterious"; PolyPhen-2: "Benign"; Align-GVGD: "Class C0"). In summary, the available evidence is currently insufficient to determine the role of this variant in disease. Therefore, it has been classified as a Variant of Uncertain Significance.

NM_014334.4(FRRS1L):c.352A>T (p.Thr118Ser)

Gene: FRRS1L (ferric chelate reductase 1 like; minus strand). Cytogenetic location: 9q31.3.
Variant type: single nucleotide variant.
Coding change: c.352A>T on transcript NM_014334.4 (MANE Select); coding-DNA position 352, A replaced by T.
Protein change: p.Thr118Ser; replaces threonine 118 with serine.
Molecular consequence: missense variant.
Genome position (GRCh38, 1-based): chr9:109,147,161, T>A on the plus strand (A>T on the coding strand, the complement: FRRS1L is on the minus strand). VCF-style: chr9-109147161-T-A. GRCh37 (hg19) VCF-style: chr9-111909441-T-A.
Other names: short protein forms T118S.
Identifiers: ClinVar variation 1407795 (VCV001407795.1), dbSNP rs1352155811, ClinGen allele CA374427249.